The following is an entry in ClinVar:

ClinVar aggregate classification (germline): Uncertain significance (1 of 4 stars; one submission).

Submission:

Labcorp Genetics (formerly Invitae), Labcorp
Classification: Uncertain significance. Last evaluated: 2022-09-14. Review status: criteria provided, single submitter. Criteria: Invitae Variant Classification Sherloc (09022015). Collection method: clinical testing. Allele origin: germline.
Comment: Algorithms developed to predict the effect of sequence changes on RNA splicing suggest that this variant may disrupt the consensus splice site. In summary, the available evidence is currently insufficient to determine the role of this variant in disease. Therefore, it has been classified as a Variant of Uncertain Significance. Algorithms developed to predict the effect of missense changes on protein structure and function output the following: SIFT: "Tolerated"; PolyPhen-2: "Benign"; Align-GVGD: "Class C0". The methionine amino acid residue is found in multiple mammalian species, which suggests that this missense change does not adversely affect protein function. This variant has not been reported in the literature in individuals affected with IL12RB2-related conditions. This variant is not present in population databases (gnomAD no frequency). This sequence change replaces isoleucine, which is neutral and non-polar, with methionine, which is neutral and non-polar, at codon 25 of the IL12RB2 protein (p.Ile25Met).

NM_001374259.2(IL12RB2):c.75A>G (p.Ile25Met)

Gene: IL12RB2 (interleukin 12 receptor subunit beta 2; plus strand). Cytogenetic location: 1p31.3.
Variant type: single nucleotide variant.
Coding change: c.75A>G on transcript NM_001374259.2 (MANE Select); coding-DNA position 75, A replaced by G.
Protein change: p.Ile25Met; replaces isoleucine 25 with methionine.
Molecular consequence: missense variant. On other transcripts: non-coding transcript variant (2).
Genome position (GRCh38, 1-based): chr1:67,320,443, A>G. VCF-style: chr1-67320443-A-G. GRCh37 (hg19) VCF-style: chr1-67786126-A-G.
Other names: c.75A>G, p.Ile25Met (NM_001258214.1, NM_001258215.1, NM_001258216.1 and 2 more transcripts); short protein forms I25M.
Identifiers: ClinVar variation 1719389 (VCV001719389.5), dbSNP rs2525813644, ClinGen allele CA340730217.